The following is an entry in ClinVar:

NM_201384.3(PLEC):c.112+203C>A

Gene: PLEC (plectin; minus strand). Cytogenetic location: 8q24.3.
Variant type: single nucleotide variant.
Coding change: c.112+203C>A on transcript NM_201384.3 (MANE Select); 203 bases into the intron after coding-DNA position 112, C replaced by A.
Molecular consequence: intron variant.
Genome position (GRCh38, 1-based): chr8:143,939,147, G>T on the plus strand (C>A on the coding strand, the complement: PLEC is on the minus strand). VCF-style: chr8-143939147-G-T. GRCh37 (hg19) VCF-style: chr8-145013315-G-T.
Other names: NC_000008.10:g.145013315G>T; c.194-455C>A (NM_000445.5); c.71-455C>A (NM_201378.4); c.47-455C>A (NM_201379.3); c.524-455C>A (NM_201380.4); c.17-455C>A (NM_201381.3); c.113-455C>A (NM_201382.4); c.125-455C>A (NM_201383.3).
Identifiers: ClinVar variation 667880 (VCV000667880.3), dbSNP rs11784501, ClinGen allele CA12780816.
Genomic context (GRCh38, chr8:143,939,147, plus strand): 5'-TGCTGCTGACAGGGCAGCGAACCTTCCCCAGAGCGCAGAGTTCCTCGCCCTTCCAGGCCC[G>T]ACATCTGACGCTCGGAGGCCCCCGTCAGCCTCGCGGGCGCCTGTCGGCCCACTCCGTGTT-3'

ClinVar aggregate classification (germline): Benign. Review status: criteria provided, multiple submitters, no conflicts (2 of 4 stars). 2 submissions from 2 submitters: Benign (2). Last evaluated 2018-06-19.

Allele frequency attached by ClinVar (database versions not stated): 1000 Genomes Project 0.24281; 1000 Genomes Project 30x 0.24438; TOPMed 0.29279; gnomAD 0.30817 and 0.30872.
gnomAD v4.1: 47,116 of 152,124 alleles (31%); highest among the groups gnomAD compares: Non-Finnish European, 40%; 8,318 homozygotes.

Submissions (6):

GeneDx
Classification: Benign. Last evaluated: 2018-06-19. Review status: criteria provided, single submitter. Criteria: GeneDx Variant Classification (06012015). Collection method: clinical testing. Allele origin: germline. Affected: yes.
Comment: This variant is considered likely benign or benign based on one or more of the following criteria: it is a conservative change, it occurs at a poorly conserved position in the protein, it is predicted to be benign by multiple in silico algorithms, and/or has population frequency not consistent with disease.

Breakthrough Genomics
Classification: Benign. Review status: criteria provided, single submitter. Criteria: ACMG Guidelines, 2015. Collection method: not provided. Allele origin: germline. Inheritance: Autosomal recessive inheritance. Affected: yes.

Dr. Peter K. Rogan Lab, Western University
No classification provided (evidence only). Condition: Cholangiocarcinoma. Review status: no classification provided. Collection method: in vitro. Allele origin: not applicable. Functional consequence: retained intron. Not counted in ClinVar's aggregate classification.

Dr. Peter K. Rogan Lab, Western University
No classification provided (evidence only). Condition: Cholangiocarcinoma. Review status: no classification provided. Collection method: in vitro. Allele origin: not applicable. Functional consequence: retained intron. Not counted in ClinVar's aggregate classification.

Dr. Peter K. Rogan Lab, Western University
No classification provided (evidence only). Condition: Cholangiocarcinoma. Review status: no classification provided. Collection method: in vitro. Allele origin: not applicable. Functional consequence: retained intron. Not counted in ClinVar's aggregate classification.

Dr. Peter K. Rogan Lab, Western University
No classification provided (evidence only). Condition: Gastric cancer. Review status: no classification provided. Collection method: in vitro. Allele origin: not applicable. Functional consequence: retained intron. Not counted in ClinVar's aggregate classification.